The following is an entry in ClinVar:

NM_001349338.3(FOXP1):c.274G>T (p.Ala92Ser)

Gene: FOXP1 (forkhead box P1; minus strand). Cytogenetic location: 3p13.
Variant type: single nucleotide variant.
Coding change: c.274G>T on transcript NM_001349338.3 (MANE Select); coding-DNA position 274, G replaced by T.
Protein change: p.Ala92Ser; replaces alanine 92 with serine.
Molecular consequence: missense variant. On other transcripts: 5 prime UTR variant (5), non-coding transcript variant (2).
Genome position (GRCh38, 1-based): chr3:71,112,544, C>A on the plus strand (G>T on the coding strand, the complement: FOXP1 is on the minus strand). VCF-style: chr3-71112544-C-A. GRCh37 (hg19) VCF-style: chr3-71161695-C-A.
Other names: c.274G>T, p.Ala92Ser (NM_001244808.3, NM_001244810.2, NM_001244812.3 and 5 more transcripts); c.-27G>T (NM_001244815.2, NM_001349337.2, NM_001349342.3 and 2 more transcripts); short protein forms A92S.
Identifiers: ClinVar variation 4801735 (VCV004801735.1).

ClinVar aggregate classification (germline): Uncertain significance (1 of 4 stars; one submission).

gnomAD v4.1: 1 of 1,611,994 alleles (0.000062%); no homozygotes.

Submission:

Labcorp Genetics (formerly Invitae), Labcorp
Classification: Uncertain significance. Last evaluated: 2026-02-03. Review status: criteria provided, single submitter. Criteria: Invitae Variant Classification Sherloc (09022015). Collection method: clinical testing. Allele origin: germline.
Comment: This sequence change replaces alanine, which is neutral and non-polar, with serine, which is neutral and polar, at codon 92 of the FOXP1 protein (p.Ala92Ser). This variant is not present in population databases (gnomAD no frequency). This variant has not been reported in the literature in individuals affected with FOXP1-related conditions. Invitae Evidence Modeling of protein sequence and biophysical properties (such as structural, functional, and spatial information, amino acid conservation, physicochemical variation, residue mobility, and thermodynamic stability) has been performed for this missense variant. However, the output from this modeling did not meet the statistical confidence thresholds required to predict the impact of this variant on FOXP1 protein function. In summary, the available evidence is currently insufficient to determine the role of this variant in disease. Therefore, it has been classified as a Variant of Uncertain Significance.